The following is an entry in ClinVar:

NM_021971.4(GMPPB):c.640+1G>C

Gene: GMPPB (GDP-mannose pyrophosphorylase B; minus strand). Cytogenetic location: 3p21.31.
Variant type: single nucleotide variant.
Coding change: c.640+1G>C on transcript NM_021971.4 (MANE Select); the canonical splice donor site of the intron after coding-DNA position 640, G replaced by C.
Molecular consequence: splice donor variant.
Genome position (GRCh38, 1-based): chr3:49,722,431, C>G on the plus strand (G>C on the coding strand, the complement: GMPPB is on the minus strand). VCF-style: chr3-49722431-C-G. GRCh37 (hg19) VCF-style: chr3-49759864-C-G.
Other names: c.640+1G>C (NM_013334.4).
Identifiers: ClinVar variation 451996 (VCV000451996.4), dbSNP rs141588721, ClinGen allele CA2405494.

ClinVar aggregate classification (germline): Pathogenic/Likely pathogenic. Review status: criteria provided, multiple submitters, no conflicts (2 of 4 stars). 3 submissions from 3 submitters: Pathogenic (1); Likely pathogenic (2). Last evaluated 2024-12-19.

Conditions:
Muscular dystrophy-dystroglycanopathy (congenital with brain and eye anomalies), type A14. Also called: WALKER-WARBURG SYNDROME OR MUSCLE-EYE-BRAIN DISEASE, GMPPB-RELATED; Muscular dystrophy-dystroglycanopathy (congenital with brain and eye anomalies), type a, 14; Congenital Muscular Dystrophy-Dystroglycanopathy with Brain and Eye Anomalies Type A 14; Congenital muscular dystrophy-dystroglycanopathy with brain and eye anomalies, type A14. Identifiers: Orphanet 588, MedGen C3809216, MONDO:0014140, OMIM 615350.

gnomAD v4.1: 17 of 1,614,068 alleles (0.0011%); highest among the groups gnomAD compares: South Asian, 0.019%; no homozygotes.

Submissions (3):

Genomic Medicine Center of Excellence, King Faisal Specialist Hospital and Research Centre
Classification: Likely pathogenic for Muscular dystrophy-dystroglycanopathy (congenital with brain and eye anomalies), type A14. Last evaluated: 2024-12-19. Review status: criteria provided, single submitter. Criteria: ACMG Guidelines, 2015. Collection method: clinical testing. Allele origin: germline.

GeneDx
Classification: Likely pathogenic. Last evaluated: 2017-09-12. Review status: criteria provided, single submitter. Criteria: GeneDx Variant Classification (06012015). Collection method: clinical testing. Allele origin: germline. Affected: yes.
Comment: The c.640+1 G>C variant has not been reported previously as a pathogenic variant nor as a benign variant, to our knowledge. The c.640+1 G>C variant is not observed at a significant frequency in large population cohorts (Lek et al., 2016; 1000 Genomes Consortium et al., 2015; Exome Variant Server). This splice site variant destroys the canonical splice donor site in intron 6. It is predicted to cause abnormal gene splicing, either leading to an abnormal message that is subject to nonsense-mediated mRNA decay, or to an abnormal protein product if the message is used for protein translation. However, in the absence of RNA/functional studies the actual effect of this sequence change in this individual is unknown.

Kariminejad - Najmabadi Pathology & Genetics Center
Classification: Pathogenic for Muscular dystrophy-dystroglycanopathy (congenital with brain and eye anomalies), type A14. Review status: criteria provided, single submitter. Criteria: ACMG Guidelines, 2015. Collection method: clinical testing. Allele origin: germline. Affected: no.